The following is an entry in ClinVar:

NM_001252024.2(TRPM1):c.266C>T (p.Ser89Phe)

Gene: TRPM1 (transient receptor potential cation channel subfamily M member 1; minus strand). Cytogenetic location: 15q13.3.
Variant type: single nucleotide variant.
Coding change: c.266C>T on transcript NM_001252024.2 (MANE Select); coding-DNA position 266, C replaced by T.
Protein change: p.Ser89Phe; replaces serine 89 with phenylalanine.
Molecular consequence: missense variant.
Genome position (GRCh38, 1-based): chr15:31,070,044, G>A on the plus strand (C>T on the coding strand, the complement: TRPM1 is on the minus strand). VCF-style: chr15-31070044-G-A. GRCh37 (hg19) VCF-style: chr15-31362247-G-A.
Other names: c.317C>T, p.Ser106Phe (NM_001252020.2); c.200C>T, p.Ser67Phe (NM_001252030.2, NM_002420.6); short protein forms S89F, S67F, S106F.
Identifiers: ClinVar variation 841312 (VCV000841312.10), dbSNP rs2034489858, ClinGen allele CA391536923.
Genomic context (GRCh38, chr15:31,070,044, plus strand): 5'-ATGAAAGCTGTGATCCTAGTGGCACCATGTCTGAATGCCTTTCTCACCATGGCTTTATTG[G>A]AATATCCGCCACCCTGGAATTCAAGAACTCCATAGGAATCTGTTGGGTAGCTCTGGGTGT-3'
Protein context (NP_001238953.1, residues 79-99): GVLEFQGGGY[Ser89Phe]NKAMYIRVSY

ClinVar aggregate classification (germline): Uncertain significance (1 of 4 stars; one submission).

Submission:

Labcorp Genetics (formerly Invitae), Labcorp
Classification: Uncertain significance. Last evaluated: 2025-03-31. Review status: criteria provided, single submitter. Criteria: Invitae Variant Classification Sherloc (09022015). Collection method: clinical testing. Allele origin: germline.
Comment: This sequence change replaces serine, which is neutral and polar, with phenylalanine, which is neutral and non-polar, at codon 67 of the TRPM1 protein (p.Ser67Phe). This variant is not present in population databases (gnomAD no frequency). This variant has not been reported in the literature in individuals affected with TRPM1-related conditions. ClinVar contains an entry for this variant (Variation ID: 841312). Invitae Evidence Modeling of protein sequence and biophysical properties (such as structural, functional, and spatial information, amino acid conservation, physicochemical variation, residue mobility, and thermodynamic stability) indicates that this missense variant is not expected to disrupt TRPM1 protein function with a negative predictive value of 95%. In summary, the available evidence is currently insufficient to determine the role of this variant in disease. Therefore, it has been classified as a Variant of Uncertain Significance.